The following is an entry in ClinVar:

ClinVar aggregate classification (germline): Pathogenic. Review status: reviewed by expert panel (3 of 4 stars). 2 submissions from 2 submitters: Pathogenic (1). 1 of the submissions does not count toward it. Last evaluated 2017-12-15.

Conditions:
Breast-ovarian cancer, familial, susceptibility to, 2 (BROVCA2). Also called: BRCA2 Hereditary Breast and Ovarian Cancer. Identifiers: Orphanet 145, MedGen C2675520, MONDO:0012933, OMIM 612555. Disease mechanism: loss of function.

Submissions (2):

Evidence-based Network for the Interpretation of Germline Mutant Alleles (ENIGMA)
Classification: Pathogenic for Breast-ovarian cancer, familial, susceptibility to, 2. Last evaluated: 2017-12-15. Review status: reviewed by expert panel. Criteria: ENIGMA BRCA1/2 Classification Criteria (2017-06-29). Collection method: curation. Allele origin: germline. Study: ENIGMA.
Comment: Variant allele predicted to encode a truncated non-functional protein.

Breast Cancer Information Core (BIC) (BRCA2)
Classification: Pathogenic for Breast-ovarian cancer, familial 2. Last evaluated: 2002-05-29. Review status: no assertion criteria provided. Collection method: clinical testing. Allele origin: germline. Affected: yes. Observed: 1 variant allele. Not counted in ClinVar's aggregate classification.

NM_000059.4(BRCA2):c.3228_3229del (p.Val1077fs)

Gene: BRCA2 (BRCA2 DNA repair associated; plus strand). Cytogenetic location: 13q13.1.
Variant type: Deletion.
Coding change: c.3228_3229del on transcript NM_000059.4 (MANE Select); coding-DNA positions 3228 to 3229, 2 bases deleted (AG; older notation c.3228_3229delAG).
Protein change: p.Val1077fs; shifts the reading frame from valine 1077.
Molecular consequence: frameshift variant.
Genome position (GRCh38, 1-based): chr13:32,337,583-32,337,584, AG deleted. VCF-style (leftmost placement, unchanged base first): chr13-32337582-TAG-T. GRCh37 (hg19) VCF-style: chr13-32911719-TAG-T.
Other names: 3456delAG; c.3228_3229delAG (NM_000059.3); short protein forms V1077fs.
Identifiers: ClinVar variation 51427 (VCV000051427.2), dbSNP rs80359378, ClinGen allele CA017590.